The following is an entry in ClinVar:

NM_170784.3(MKKS):c.651G>T (p.Gly217=)

Gene: MKKS (MKKS centrosomal shuttling protein; minus strand). Cytogenetic location: 20p12.2.
Variant type: single nucleotide variant.
Coding change: c.651G>T on transcript NM_170784.3 (MANE Select); coding-DNA position 651, G replaced by T.
Protein change: p.Gly217=; no amino-acid change (glycine 217 retained).
Molecular consequence: synonymous variant.
Genome position (GRCh38, 1-based): chr20:10,412,864, C>A on the plus strand (G>T on the coding strand, the complement: MKKS is on the minus strand). VCF-style: chr20-10412864-C-A. GRCh37 (hg19) VCF-style: chr20-10393512-C-A.
Other names: c.651G>T, p.Gly217= (NM_018848.3).
Identifiers: ClinVar variation 5001321 (VCV005001321.1).

ClinVar aggregate classification (germline): Likely benign (1 of 4 stars; one submission).

Conditions:
MKKS-related disorder. Also called: MKKS-related disorders; MKKS-related condition.

gnomAD v4.1: 1 of 1,614,096 alleles (0.000062%); highest among the groups gnomAD compares: Non-Finnish European, 0.000085%; no homozygotes.

Submission:

PreventionGenetics, part of Exact Sciences
Classification: Likely benign for MKKS-related condition. Last evaluated: 2025-05-30. Review status: criteria provided, single submitter. Criteria: ACMG Guidelines, 2015. Collection method: clinical testing. Allele origin: germline.
Comment: This variant is classified as likely benign based on ACMG/AMP sequence variant interpretation guidelines (Richards et al. 2015 PMID: 25741868, with internal and published modifications).